The following is an entry in ClinVar:

NM_000138.5(FBN1):c.6793T>G (p.Cys2265Gly)

Gene: FBN1 (fibrillin 1; minus strand). Cytogenetic location: 15q21.1.
Variant type: single nucleotide variant.
Coding change: c.6793T>G on transcript NM_000138.5 (MANE Select); coding-DNA position 6793, T replaced by G.
Protein change: p.Cys2265Gly; replaces cysteine 2265 with glycine.
Molecular consequence: missense variant.
Genome position (GRCh38, 1-based): chr15:48,430,749, A>C on the plus strand (T>G on the coding strand, the complement: FBN1 is on the minus strand). VCF-style: chr15-48430749-A-C. GRCh37 (hg19) VCF-style: chr15-48722946-A-C.
Other names: short protein forms C2265G.
Identifiers: ClinVar variation 385605 (VCV000385605.5), dbSNP rs1057522272, ClinGen allele CA16607084.

ClinVar aggregate classification (germline): Pathogenic/Likely pathogenic. Review status: criteria provided, multiple submitters, no conflicts (2 of 4 stars). 2 submissions from 2 submitters: Pathogenic (1); Likely pathogenic (1). Last evaluated 2023-08-17.

Conditions:
Marfan syndrome (MFS). Also called: Marfan syndrome, classic; Marfan syndrome type 1; Marfan's syndrome; MARFAN SYNDROME, TYPE I; FBN1-Related Marfan Syndrome. Identifiers: Orphanet 284963, Orphanet 558, MedGen C0024796, MONDO:0007947, OMIM 154700.
Familial thoracic aortic aneurysm and aortic dissection (TAAD). Also called: Thoracic aortic aneurysms and dissections. Identifiers: Orphanet 91387, MedGen C4707243, MONDO:0019625.

Submissions (2):

Labcorp Genetics (formerly Invitae), Labcorp
Classification: Pathogenic for Marfan syndrome; Familial thoracic aortic aneurysm and aortic dissection. Last evaluated: 2023-08-17. Review status: criteria provided, single submitter. Criteria: Invitae Variant Classification Sherloc (09022015). Collection method: clinical testing. Allele origin: germline.
Comment: Advanced modeling of protein sequence and biophysical properties (such as structural, functional, and spatial information, amino acid conservation, physicochemical variation, residue mobility, and thermodynamic stability) performed at Invitae indicates that this missense variant is expected to disrupt FBN1 protein function. For these reasons, this variant has been classified as Pathogenic. This variant disrupts the p.Cys2265 amino acid residue in FBN1. Other variant(s) that disrupt this residue have been observed in individuals with FBN1-related conditions (PMID: 19293843, 26787436), which suggests that this may be a clinically significant amino acid residue. This variant affects a cysteine residue in the EGF-like, TGFBP or hybrid motif domains of FBN1. Cysteine residues are believed to be involved in intramolecular disulfide bridges and have been shown to be important for FBN1 protein structure (PMID: 16905551, 19349279). In addition, missense substitutions affecting cysteine residues within these domains are significantly overrepresented among patients with Marfan syndrome (PMID: 16571647, 17701892). ClinVar contains an entry for this variant (Variation ID: 385605). This missense change has been observed in individuals with Marfan syndrome (PMID: 26787436, 32431097). This variant is not present in population databases (gnomAD no frequency). This sequence change replaces cysteine, which is neutral and slightly polar, with glycine, which is neutral and non-polar, at codon 2265 of the FBN1 protein (p.Cys2265Gly).

GeneDx
Classification: Likely pathogenic. Last evaluated: 2017-01-16. Review status: criteria provided, single submitter. Criteria: GeneDx Variant Classification (06012015). Collection method: clinical testing. Allele origin: germline. Affected: yes.
Comment: The C2265G likely pathogenic variant in the FBN1 gene has been reported previously in association with Marfansyndrome (Sakai et al., 2012; Franken et al., 2016). The authors proposed thatC2265G causes a dominant-negative effect on FBN1 gene function, and asserted that patients with dominant-negativeFBN1 variants had a lower risk of aortic complications/dissections and cardiovascular death when compared topatients with haploinsufficient variants (Franken et al., 2016). C2265G was not observed in approximately 6,500individuals of European and African American ancestry in the NHLBI Exome Sequencing Project, indicating it is nota common benign variant in these populations. The C2265G variant is a non-conservative amino acid substitution,which is likely to impact secondary protein structure as these residues differ in polarity, charge, size and/or otherproperties. Moreover, this substitution occurs at a position that is conserved across species. Consequently, in silicoanalysis predicts this variant is probably damaging to the protein structure/function. In addition, the C2265G variantaffects a Cysteine residue within a calcium-binding EGF-like domain of the FBN1 gene, which may affect disulfidebonding and is predicted to alter the structure and function of the protein. Cysteine substitutions in the calciumbindingEGF-like domains represent the majority of pathogenic missense changes associated with Marfan syndrome(Collod-Beroud et al., 2003). Finally, one missense variant in the same residue (C2265Y) has been reported in theHuman Gene Mutation Database in association with Marfan syndrome (Stenson et al., 2014), supporting thefunctional importance of this residue.Therefore, this variant is likely pathogenic. In order to definitively determine its clinical significance, additional datais required."

Literature cited by the submitters: PubMed 19293843 (cited by Labcorp Genetics (formerly Invitae), Labcorp); PubMed 26787436 (cited by Labcorp Genetics (formerly Invitae), Labcorp); PubMed 16905551 (cited by Labcorp Genetics (formerly Invitae), Labcorp); PubMed 19349279 (cited by Labcorp Genetics (formerly Invitae), Labcorp); PubMed 16571647 (cited by Labcorp Genetics (formerly Invitae), Labcorp); PubMed 17701892 (cited by Labcorp Genetics (formerly Invitae), Labcorp); PubMed 32431097 (cited by Labcorp Genetics (formerly Invitae), Labcorp).